The following is an entry in ClinVar:

NM_022835.3(PLEKHG2):c.1184A>G (p.Asn395Ser)

Gene: PLEKHG2 (pleckstrin homology and RhoGEF domain containing G2; plus strand). Cytogenetic location: 19q13.2.
Variant type: single nucleotide variant.
Coding change: c.1184A>G on transcript NM_022835.3 (MANE Select); coding-DNA position 1184, A replaced by G.
Protein change: p.Asn395Ser; replaces asparagine 395 with serine.
Molecular consequence: missense variant.
Genome position (GRCh38, 1-based): chr19:39,418,924, A>G. VCF-style: chr19-39418924-A-G. GRCh37 (hg19) VCF-style: chr19-39909564-A-G.
Other names: c.1184A>G (NM_022835.2); c.1007A>G, p.Asn336Ser (NM_001351693.2); c.1184A>G, p.Asn395Ser (NM_001351694.2); short protein forms N336S, N395S.
Identifiers: ClinVar variation 1536634 (VCV001536634.11), dbSNP rs139883194, ClinGen allele CA9429392.
Genomic context (GRCh38, chr19:39,418,924, plus strand): 5'-CAGCCTCGAGACCTCACACCTGGCCCCCTGACTCTACTCCAACCCACTCCTAGGCCAAGA[A>G]CCAAGAAGAGAAGAGGCTGTGGATTCACTGTCTCCAGCGCCTCTTCTTTGAGAACCACCC-3'
Protein context (NP_073746.2, residues 385-405): PKHRHLLQAK[Asn395Ser]QEEKRLWIHC

ClinVar aggregate classification (germline): Conflicting classifications of pathogenicity. Review status: criteria provided, conflicting classifications (1 of 4 stars). 3 submissions from 3 submitters: Uncertain significance (1); Likely benign (1). 1 of the submissions does not count toward it. Last evaluated 2026-01-15.

Conditions:
PLEKHG2-related disorder. Also called: PLEKHG2-related condition.

Allele frequency attached by ClinVar (database versions not stated): gnomAD exomes 0.00010 and 0.00029; ExAC 0.00041; gnomAD 0.00109 and 0.00112; TOPMed 0.00117; 1000 Genomes Project 30x 0.00125; 1000 Genomes Project 0.00140; ESP Exome Variant Server 0.00169.

Submissions (3):

Labcorp Genetics (formerly Invitae), Labcorp
Classification: Likely benign. Last evaluated: 2026-01-15. Review status: criteria provided, single submitter. Criteria: Invitae Variant Classification Sherloc (09022015). Collection method: clinical testing. Allele origin: germline.

Ambry Genetics
Classification: Uncertain significance. Last evaluated: 2025-08-03. Review status: criteria provided, single submitter. Criteria: Ambry Variant Classification Scheme 2023. Collection method: clinical testing. Allele origin: germline.

PreventionGenetics, part of Exact Sciences
Classification: Likely benign for PLEKHG2-related condition. Last evaluated: 2022-12-27. Review status: no assertion criteria provided. Collection method: clinical testing. Allele origin: germline. Not counted in ClinVar's aggregate classification.
Comment: This variant is classified as likely benign based on ACMG/AMP sequence variant interpretation guidelines (Richards et al. 2015 PMID: 25741868, with internal and published modifications).